The following is an entry in ClinVar:

ClinVar aggregate classification (germline): Conflicting classifications of pathogenicity. Review status: criteria provided, conflicting classifications (1 of 4 stars). 4 submissions from 4 submitters: Uncertain significance (3); Likely benign (1). Last evaluated 2025-12-15.

Conditions:
Left ventricular noncompaction 8 (LVNC8). Identifiers: Orphanet 154, Orphanet 54260, MedGen C3809288, MONDO:0014152, OMIM 615373.

Allele frequency attached by ClinVar (database versions not stated): ExAC 0.00003; gnomAD exomes 0.00003 and 0.00005; TOPMed 0.00003; gnomAD 0.00004.
gnomAD v4.1: 75 of 1,613,410 alleles (0.0046%); highest among the groups gnomAD compares: Non-Finnish European, 0.006%; no homozygotes.

Submissions (4):

Labcorp Genetics (formerly Invitae), Labcorp
Classification: Uncertain significance for Left ventricular noncompaction 8. Last evaluated: 2025-12-15. Review status: criteria provided, single submitter. Criteria: Invitae Variant Classification Sherloc (09022015). Collection method: clinical testing. Allele origin: germline.
Comment: This sequence change replaces glutamic acid, which is acidic and polar, with lysine, which is basic and polar, at codon 149 of the PRDM16 protein (p.Glu149Lys). This variant is present in population databases (rs576922307, gnomAD 0.008%). This variant has not been reported in the literature in individuals affected with PRDM16-related conditions. ClinVar contains an entry for this variant (Variation ID: 1407377). An algorithm developed to predict the effect of missense changes on protein structure and function (PolyPhen-2) suggests that this variant is likely to be tolerated. In summary, the available evidence is currently insufficient to determine the role of this variant in disease. Therefore, it has been classified as a Variant of Uncertain Significance.

CeGaT Center for Human Genetics Tuebingen
Classification: Likely benign. Last evaluated: 2024-07-01. Review status: criteria provided, single submitter. Criteria: CeGaT Center For Human Genetics Tuebingen Variant Classification Criteria Version 2. Collection method: clinical testing. Allele origin: germline. Affected: yes. Observed: 1 variant allele.
Comment: PRDM16: BP4

GeneDx
Classification: Uncertain significance. Last evaluated: 2022-07-18. Review status: criteria provided, single submitter. Criteria: GeneDx Variant Classification Process June 2021. Collection method: clinical testing. Allele origin: germline. Affected: yes.
Comment: In silico analysis supports that this missense variant does not alter protein structure/function; Has not been previously published as pathogenic or benign to our knowledge

Fulgent Genetics
Classification: Uncertain significance for Left ventricular noncompaction 8. Last evaluated: 2021-09-03. Review status: criteria provided, single submitter. Criteria: ACMG Guidelines, 2015. Collection method: clinical testing. Allele origin: unknown.

NM_022114.4(PRDM16):c.445G>A (p.Glu149Lys)

Gene: PRDM16 (PR/SET domain 16; plus strand). Cytogenetic location: 1p36.32.
Variant type: single nucleotide variant.
Coding change: c.445G>A on transcript NM_022114.4 (MANE Select); coding-DNA position 445, G replaced by A.
Protein change: p.Glu149Lys; replaces glutamic acid 149 with lysine.
Molecular consequence: missense variant.
Genome position (GRCh38, 1-based): chr1:3,385,158, G>A. VCF-style: chr1-3385158-G-A. GRCh37 (hg19) VCF-style: chr1-3301722-G-A.
Other names: c.445G>A, p.Glu149Lys (NM_199454.3); short protein forms E149K.
Identifiers: ClinVar variation 1407377 (VCV001407377.27), dbSNP rs576922307, ClinGen allele CA543827.
Genomic context (GRCh38, chr1:3,385,158, plus strand): 5'-CAGACTCCAGCACACAGGGCACCTCTGACTCCCGCTTCGCTTTCCTCCCAGCAGATCTCC[G>A]AAGACCTGGGCAGTGAGAAGTTCTGCGTGGATGCAAATCAGGCGGGGGCTGGCAGCTGGC-3'
Protein context (NP_071397.3, residues 139-159): PQEGCITKIS[Glu149Lys]DLGSEKFCVD